The following is an entry in ClinVar:

ClinVar aggregate classification (germline): Uncertain significance (1 of 4 stars; one submission).

Allele frequency attached by ClinVar (database versions not stated): ExAC 0.00001; gnomAD exomes below 0.00001; gnomAD 0.00001.
gnomAD v4.1: 2 of 1,613,004 alleles (0.00012%); highest among the groups gnomAD compares: South Asian, 0.0011%; no homozygotes.

Submission:

Laboratory for Molecular Medicine, Mass General Brigham Personalized Medicine
Classification: Uncertain significance. Last evaluated: 2017-07-10. Review status: criteria provided, single submitter. Criteria: LMM Criteria. Collection method: clinical testing. Allele origin: germline. Observed: 1 variant allele.
Comment: The p.Gly18827Ala variant in TTN has not been previously reported in individuals with cardiomyopathy, but has been identified in 1/30778 of South Asian chromoso mes by the Genome Aggregation Database (gnomAD ; dbSNP rs769161359). Computational prediction tools and conservation analysis s uggest that the p.Gly18827Ala variant may impact the protein, though this inform ation is not predictive enough to determine pathogenicity. In summary, the clini cal significance of the p.Gly18827Ala variant is uncertain.

NM_001267550.2(TTN):c.64184G>C (p.Gly21395Ala)

Genes: TTN (titin; minus strand), TTN-AS1 (TTN antisense RNA 1; plus strand). Cytogenetic location: 2q31.2.
Variant type: single nucleotide variant.
Coding change: c.64184G>C on transcript NM_001267550.2 (MANE Select); coding-DNA position 64184, G replaced by C.
Protein change: p.Gly21395Ala; replaces glycine 21395 with alanine.
Molecular consequence: missense variant.
Genome position (GRCh38, 1-based): chr2:178,586,717, C>G on the plus strand (G>C on the coding strand, the complement: TTN is on the minus strand). VCF-style: chr2-178586717-C-G. GRCh37 (hg19) VCF-style: chr2-179451444-C-G.
Other names: c.59261G>C, p.Gly19754Ala (NM_001256850.1); c.36989G>C, p.Gly12330Ala (NM_003319.4); c.37364G>C, p.Gly12455Ala (NM_133432.3); c.37565G>C, p.Gly12522Ala (NM_133437.4); c.56480G>C, p.Gly18827Ala (NM_133378.4); short protein forms G18827A, G21395A, G19754A, G12330A, G12455A, G12522A.
Identifiers: ClinVar variation 517474 (VCV000517474.5), dbSNP rs769161359, ClinGen allele CA1991938.
Genomic context (GRCh38, chr2:178,586,717, plus strand): 5'-CAGCGATCTGCAGGCTGCTCTTCTTCTCTGTAACTAGTGATGTAGCCATCGATTTTAGCA[C>G]CTCCATCACGTAGGGGAGGTAACCAGGCTAAGGTGGCACTGTTCTTGGTCATTTCAGTCA-3'
Protein context (NP_001254479.2, residues 21385-21405): LAWLPPLRDG[Gly21395Ala]AKIDGYITSY